The following is an entry in ClinVar:

NM_173495.3(PTCHD1):c.1547T>A (p.Leu516Ter)

Gene: PTCHD1 (patched domain containing 1; plus strand). Cytogenetic location: Xp22.11.
Variant type: single nucleotide variant.
Coding change: c.1547T>A on transcript NM_173495.3 (MANE Select); coding-DNA position 1547, T replaced by A.
Protein change: p.Leu516Ter; replaces leucine 516 with a stop codon.
Molecular consequence: nonsense.
Genome position (GRCh38, 1-based): chrX:23,393,065, T>A. VCF-style: chrX-23393065-T-A. GRCh37 (hg19) VCF-style: chrX-23411182-T-A.
Other names: short protein forms L516*.
Identifiers: ClinVar variation 280396 (VCV000280396.3), dbSNP rs886041610, ClinGen allele CA10603472.
Genomic context (GRCh38, chrX:23,393,065, plus strand): 5'-CCAACACCTATGTCAAGCCTTTTGTAGTTCTCTTTTACCTTATTTATATTTCCTTTGCCT[T>A]AATGGGCTATCTGCAGGTCAGTGAAGGGTCAGACCTTAGTAACATTGTAGCAACCGCGAC-3'

ClinVar aggregate classification (germline): Likely pathogenic (1 of 4 stars; one submission).

Submission:

GeneDx
Classification: Likely pathogenic. Last evaluated: 2023-10-17. Review status: criteria provided, single submitter. Criteria: GeneDx Variant Classification Process June 2021. Collection method: clinical testing. Allele origin: germline. Affected: yes.
Comment: Nonsense variant predicted to result in protein truncation, as the last 373 amino acids are lost, and other loss-of-function variants have been reported downstream in HGMD; Not observed at significant frequency in large population cohorts (gnomAD); Has not been previously published as pathogenic or benign to our knowledge; This variant is associated with the following publications: (PMID: 35328080)